The following is an entry in ClinVar:

NM_024529.5(CDC73):c.35_41del (p.Asn12fs)

Gene: CDC73 (cell division cycle 73; plus strand). Cytogenetic location: 1q31.2.
Variant type: Deletion.
Coding change: c.35_41del on transcript NM_024529.5 (MANE Select); coding-DNA positions 35 to 41, 7 bases deleted (ACATCCA; older notation c.35_41delACATCCA).
Protein change: p.Asn12fs; shifts the reading frame from asparagine 12.
Molecular consequence: frameshift variant.
Genome position (GRCh38, 1-based): chr1:193,122,235-193,122,241, ACATCCA deleted; deleting any 7 consecutive bases within chr1:193,122,233-193,122,241 gives the same sequence; the c. name uses the placement nearest the transcript's 3' end. VCF-style (leftmost placement, unchanged base first): chr1-193122232-ACAACATC-A. GRCh37 (hg19) VCF-style: chr1-193091362-ACAACATC-A.
Other names: short protein forms N12fs.
Identifiers: ClinVar variation 2734057 (VCV002734057.3), dbSNP rs2527280897, ClinGen allele CA2586967898.

ClinVar aggregate classification (germline): Pathogenic (1 of 4 stars; one submission).

Conditions:
Parathyroid carcinoma (PRTC). Also called: CDC73-Related Parathyroid Carcinoma; Parathyroid gland carcinoma. Identifiers: Orphanet 143, MedGen C0687150, MONDO:0012004, OMIM 608266, HP:0006780.

Submission:

Labcorp Genetics (formerly Invitae), Labcorp
Classification: Pathogenic for Parathyroid carcinoma. Last evaluated: 2023-11-17. Review status: criteria provided, single submitter. Criteria: Invitae Variant Classification Sherloc (09022015). Collection method: clinical testing. Allele origin: germline.
Comment: This sequence change creates a premature translational stop signal (p.Asn12Argfs*7) in the CDC73 gene. It is expected to result in an absent or disrupted protein product. Loss-of-function variants in CDC73 are known to be pathogenic (PMID: 12434154). This variant is not present in population databases (gnomAD no frequency). This premature translational stop signal has been observed in individual(s) with hyperparathyroidism–jaw tumor syndrome (PMID: 12434154). This variant is also known as HRPT2 34delAACATCC. For these reasons, this variant has been classified as Pathogenic.

Literature cited by the submitters: PubMed 12434154.